The following is an entry in ClinVar:

ClinVar aggregate classification (germline): Pathogenic/Likely pathogenic. Review status: criteria provided, multiple submitters, no conflicts (2 of 4 stars). 7 submissions from 6 submitters: Pathogenic (3); Likely pathogenic (2). 2 of the submissions do not count toward it. Last evaluated 2025-04-24.

Conditions:
Heimler syndrome 1 (HMLR1). Also called: PEROXISOME BIOGENESIS DISORDER 1C. Identifiers: Orphanet 3220, MedGen C4551980, OMIM 234580, MONDO:0024544.
PEX1-related disorder. Also called: PEX1-related condition.
Zellweger spectrum disorders (ZS). Also called: Zellweger Spectrum Disorder (ZSD); Zellweger Spectrum Disorder; Zellweger Spectrum; Zellweger syndrome. Identifiers: Orphanet 912, MedGen C0043459, MONDO:0019609.
Peroxisome biogenesis disorder. Identifiers: Orphanet 79189, MedGen C1832200, MONDO:0019234. Disease mechanism: loss of function.
Peroxisome biogenesis disorder 1A (Zellweger) (PBD1A). Also called: Zellweger leukodystrophy; Peroxisome biogenesis disorder 1a. Identifiers: MedGen C4721541, MONDO:0008953, OMIM 214100.

Allele frequency attached by ClinVar (database versions not stated): gnomAD exomes below 0.00001; ExAC 0.00001; TOPMed 0.00001.

Submissions (7):

Natera, Inc.
Classification: Likely pathogenic for Zellweger syndrome. Last evaluated: 2025-04-24. Review status: criteria provided, single submitter. Criteria: Natera Variant Classification Schema (03/2026). Collection method: clinical testing. Allele origin: germline.
Comment: The c.2922delA variant in PEX1 is a frameshift variant predicted to shift the reading frame beginning at codon 974 and leads to a stop codon 15 codons downstream. This variant is expected to result in nonsense mediated decay, truncation, or a dysfunctional protein product. This variant is rare in the general population with a frequency below the threshold expected for the associated phenotype(s). Given the available evidence, this variant is classified as Likely Pathogenic.

Labcorp Genetics (formerly Invitae), Labcorp
Classification: Pathogenic for Zellweger spectrum disorders. Last evaluated: 2025-02-03. Review status: criteria provided, single submitter. Criteria: Invitae Variant Classification Sherloc (09022015). Collection method: clinical testing. Allele origin: germline.
Comment: This sequence change creates a premature translational stop signal (p.Leu974Phefs*15) in the PEX1 gene. It is expected to result in an absent or disrupted protein product. Loss-of-function variants in PEX1 are known to be pathogenic (PMID: 21031596, 26387595, 31831025). This variant is present in population databases (rs762324548, gnomAD 0.0009%). This variant has not been reported in the literature in individuals affected with PEX1-related conditions. ClinVar contains an entry for this variant (Variation ID: 371696). For these reasons, this variant has been classified as Pathogenic.

Women's Health and Genetics/Laboratory Corporation of America, LabCorp
Classification: Pathogenic for Peroxisome biogenesis disorder. Last evaluated: 2024-02-15. Review status: criteria provided, single submitter. Criteria: LabCorp Variant Classification Summary - May 2015. Collection method: clinical testing. Allele origin: germline.
Comment: Variant summary: PEX1 c.2922delA (p.Leu974PhefsX15) results in a premature termination codon, predicted to cause absence of the protein due to nonsense mediated decay, which is a commonly known mechanism for disease. The variant allele was found at a frequency of 4e-06 in 251324 control chromosomes (gnomAD). To our knowledge, no occurrence of c.2922delA in individuals affected with Zellweger Syndrome and no experimental evidence demonstrating its impact on protein function have been reported. ClinVar contains an entry for this variant (Variation ID: 371696). Based on the evidence outlined above, the variant was classified as pathogenic.

PreventionGenetics, part of Exact Sciences
Classification: Likely pathogenic for PEX1-related condition. Last evaluated: 2023-07-18. Review status: criteria provided, single submitter. Criteria: ACMG Guidelines, 2015. Collection method: clinical testing. Allele origin: germline.
Comment: The PEX1 c.2922delA variant is predicted to result in a frameshift and premature protein termination (p.Leu974Phefs*15). To our knowledge, this variant has not been previously reported in the literature. This variant is reported in 0.00088% of alleles in individuals of European (Non-Finnish) descent in gnomAD. Frameshift variants in PEX1 are expected to be pathogenic. This variant is interpreted as likely pathogenic.

GeneDx
Classification: Pathogenic. Last evaluated: 2020-10-05. Review status: criteria provided, single submitter. Criteria: GeneDx Variant Classification Process June 2021. Collection method: clinical testing. Allele origin: germline. Affected: yes.
Comment: Frameshift variant predicted to result in protein truncation or nonsense mediated decay in a gene for which loss-of-function is a known mechanism of disease; Not observed at a significant frequency in large population cohorts (Lek et al., 2016); Has not been previously published as pathogenic or benign to our knowledge

Counsyl
Classification: Likely pathogenic for Peroxisome biogenesis disorder 1A (Zellweger). Last evaluated: 2015-12-22. Review status: no assertion criteria provided. Collection method: clinical testing. Allele origin: unknown. Not counted in ClinVar's aggregate classification.

Counsyl
Classification: Likely pathogenic for Heimler syndrome 1. Last evaluated: 2015-12-22. Review status: no assertion criteria provided. Collection method: clinical testing. Allele origin: unknown. Not counted in ClinVar's aggregate classification.

Literature cited by the submitters: PubMed 21031596 (cited by Labcorp Genetics (formerly Invitae), Labcorp); PubMed 26387595 (cited by Labcorp Genetics (formerly Invitae), Labcorp); PubMed 31831025 (cited by Labcorp Genetics (formerly Invitae), Labcorp).

NM_000466.3(PEX1):c.2922del (p.Leu974fs)

Genes: GATAD1 (GATA zinc finger domain containing 1; plus strand), PEX1 (peroxisomal biogenesis factor 1; minus strand). Cytogenetic location: 7q21.2.
Variant type: Deletion.
Coding change: c.2922del on transcript NM_000466.3 (MANE Select); coding-DNA position 2922, one base deleted (A; older notation c.2922delA).
Protein change: p.Leu974fs; shifts the reading frame from leucine 974.
Molecular consequence: frameshift variant.
Genome position (GRCh38, 1-based): chr7:92,494,491, T deleted on the plus strand (A on the coding strand, the reverse complement: PEX1 is on the minus strand). VCF-style (leftmost placement, unchanged base first): chr7-92494490-GT-G. GRCh37 (hg19) VCF-style: chr7-92123804-GT-G.
Other names: c.2922delA (NM_000466.3); c.2751del, p.Leu917fs (NM_001282677.2); c.2298del, p.Leu766fs (NM_001282678.2); c.2922del (NM_000466.2); short protein forms L917fs, L974fs, L766fs.
Identifiers: ClinVar variation 371696 (VCV000371696.18), dbSNP rs762324548, ClinGen allele CA4340978.